The following is an entry in ClinVar:

NM_021830.5(TWNK):c.1712C>T (p.Ala571Val)

Gene: TWNK (twinkle mtDNA helicase; plus strand). Cytogenetic location: 10q24.31.
Variant type: single nucleotide variant.
Coding change: c.1712C>T on transcript NM_021830.5 (MANE Select); coding-DNA position 1712, C replaced by T.
Protein change: p.Ala571Val; replaces alanine 571 with valine.
Molecular consequence: missense variant. On other transcripts: non-coding transcript variant (5).
Genome position (GRCh38, 1-based): chr10:100,990,988, C>T. VCF-style: chr10-100990988-C-T. GRCh37 (hg19) VCF-style: chr10-102750745-C-T.
Other names: c.1712C>T, p.Ala571Val (NM_001163812.2); c.350C>T, p.Ala117Val (NM_001163813.2, NM_001163814.2, NM_001368275.1); short protein forms A571V, A117V.
Identifiers: ClinVar variation 546357 (VCV000546357.6), dbSNP rs770025210, ClinGen allele CA5653312.

ClinVar aggregate classification (germline): Uncertain significance. Review status: criteria provided, multiple submitters, no conflicts (2 of 4 stars). 2 submissions from 2 submitters: Uncertain significance (2). Last evaluated 2024-07-08.

Allele frequency attached by ClinVar (database versions not stated): ExAC 0.00001.

Submissions (2):

Labcorp Genetics (formerly Invitae), Labcorp
Classification: Uncertain significance. Last evaluated: 2024-07-08. Review status: criteria provided, single submitter. Criteria: Invitae Variant Classification Sherloc (09022015). Collection method: clinical testing. Allele origin: germline.
Comment: This sequence change replaces alanine, which is neutral and non-polar, with valine, which is neutral and non-polar, at codon 571 of the TWNK protein (p.Ala571Val). This variant is not present in population databases (gnomAD no frequency). This variant has not been reported in the literature in individuals affected with TWNK-related conditions. ClinVar contains an entry for this variant (Variation ID: 546357). Advanced modeling of protein sequence and biophysical properties (such as structural, functional, and spatial information, amino acid conservation, physicochemical variation, residue mobility, and thermodynamic stability) performed at Invitae indicates that this missense variant is expected to disrupt TWNK protein function with a positive predictive value of 95%. In summary, the available evidence is currently insufficient to determine the role of this variant in disease. Therefore, it has been classified as a Variant of Uncertain Significance.

GeneDx
Classification: Uncertain significance. Last evaluated: 2019-10-10. Review status: criteria provided, single submitter. Criteria: GeneDx Variant Classification Process June 2021. Collection method: clinical testing. Allele origin: germline. Affected: yes.
Comment: Not observed in large population cohorts (Lek et al., 2016); In silico analysis, which includes protein predictors and evolutionary conservation, supports a deleterious effect; Has not been previously published as pathogenic or benign to our knowledge